The following is an entry in ClinVar:

NM_000484.4(APP):c.1091-3T>C

Gene: APP (amyloid beta precursor protein; minus strand). Cytogenetic location: 21q21.3.
Variant type: single nucleotide variant.
Coding change: c.1091-3T>C on transcript NM_000484.4 (MANE Select); 3 bases into the intron before coding-DNA position 1091, T replaced by C.
Molecular consequence: intron variant.
Genome position (GRCh38, 1-based): chr21:25,982,480, A>G on the plus strand (T>C on the coding strand, the complement: APP is on the minus strand). VCF-style: chr21-25982480-A-G. GRCh37 (hg19) VCF-style: chr21-27354793-A-G.
Other names: c.761-3T>C (NM_001136131.3); c.698-3T>C (NM_001136129.3); c.923-3T>C (NM_001136130.3, NM_001385253.1); c.866-3T>C (NM_001204303.2, NM_201414.3); c.1034-3T>C (NM_001204302.2, NM_201413.3); c.1091-3T>C (NM_001204301.2); c.1019-3T>C (NM_001136016.3).
Identifiers: ClinVar variation 3666537 (VCV003666537.2).

ClinVar aggregate classification (germline): Uncertain significance (1 of 4 stars; one submission).

Conditions:
Alzheimer disease. Also called: Presenile and senile dementia; Alzheimer's disease. Identifiers: Orphanet 1020, MedGen C0002395, MeSH D000544, MONDO:0004975, HP:0002511.

Submission:

Labcorp Genetics (formerly Invitae), Labcorp
Classification: Uncertain significance for Alzheimer disease. Last evaluated: 2024-09-14. Review status: criteria provided, single submitter. Criteria: Invitae Variant Classification Sherloc (09022015). Collection method: clinical testing. Allele origin: germline.
Comment: This sequence change falls in intron 8 of the APP gene. It does not directly change the encoded amino acid sequence of the APP protein. It affects a nucleotide within the consensus splice site. This variant is not present in population databases (gnomAD no frequency). This variant has not been reported in the literature in individuals affected with APP-related conditions. Variants that disrupt the consensus splice site are a relatively common cause of aberrant splicing (PMID: 17576681, 9536098). Algorithms developed to predict the effect of sequence changes on RNA splicing suggest that this variant is not likely to affect RNA splicing. In summary, the available evidence is currently insufficient to determine the role of this variant in disease. Therefore, it has been classified as a Variant of Uncertain Significance.

Literature cited by the submitters: PubMed 17576681; PubMed 9536098.